The following is an entry in ClinVar:

NM_002471.4(MYH6):c.1130A>G (p.Asp377Gly)

Gene: MYH6 (myosin heavy chain 6; minus strand). Cytogenetic location: 14q11.2.
Variant type: single nucleotide variant.
Coding change: c.1130A>G on transcript NM_002471.4 (MANE Select); coding-DNA position 1130, A replaced by G.
Protein change: p.Asp377Gly; replaces aspartic acid 377 with glycine.
Molecular consequence: missense variant.
Genome position (GRCh38, 1-based): chr14:23,402,475, T>C on the plus strand (A>G on the coding strand, the complement: MYH6 is on the minus strand). VCF-style: chr14-23402475-T-C. GRCh37 (hg19) VCF-style: chr14-23871684-T-C.
Other names: short protein forms D377G.
Identifiers: ClinVar variation 3693645 (VCV003693645.2).

ClinVar aggregate classification (germline): Uncertain significance (1 of 4 stars; one submission).

Conditions:
Hypertrophic cardiomyopathy 14. Identifiers: MedGen C2750467, MONDO:0013197, OMIM 613251.

Submission:

Labcorp Genetics (formerly Invitae), Labcorp
Classification: Uncertain significance for Hypertrophic cardiomyopathy 14. Last evaluated: 2024-12-18. Review status: criteria provided, single submitter. Criteria: Invitae Variant Classification Sherloc (09022015). Collection method: clinical testing. Allele origin: germline.
Comment: This sequence change replaces aspartic acid, which is acidic and polar, with glycine, which is neutral and non-polar, at codon 377 of the MYH6 protein (p.Asp377Gly). This variant is not present in population databases (gnomAD no frequency). This variant has not been reported in the literature in individuals affected with MYH6-related conditions. Invitae Evidence Modeling of protein sequence and biophysical properties (such as structural, functional, and spatial information, amino acid conservation, physicochemical variation, residue mobility, and thermodynamic stability) indicates that this missense variant is expected to disrupt MYH6 protein function with a positive predictive value of 80%. In summary, the available evidence is currently insufficient to determine the role of this variant in disease. Therefore, it has been classified as a Variant of Uncertain Significance.